The following is an entry in ClinVar:

NM_000166.6(GJB1):c.481G>A (p.Ala161Thr)

Gene: GJB1 (gap junction protein beta 1; plus strand). Cytogenetic location: Xq13.1.
Variant type: single nucleotide variant.
Coding change: c.481G>A on transcript NM_000166.6 (MANE Select); coding-DNA position 481, G replaced by A.
Protein change: p.Ala161Thr; replaces alanine 161 with threonine.
Molecular consequence: missense variant.
Genome position (GRCh38, 1-based): chrX:71,224,188, G>A. VCF-style: chrX-71224188-G-A. GRCh37 (hg19) VCF-style: chrX-70444038-G-A.
Other names: c.481G>A, p.Ala161Thr (NM_001097642.3, NM_001440770.1); short protein forms A161T.
Identifiers: ClinVar variation 4710048 (VCV004710048.1).

ClinVar aggregate classification (germline): Uncertain significance (1 of 4 stars; one submission).

Conditions:
Charcot-Marie-Tooth Neuropathy X. Identifiers: MedGen CN118851.

Submission:

Labcorp Genetics (formerly Invitae), Labcorp
Classification: Uncertain significance for Charcot-Marie-Tooth Neuropathy X. Last evaluated: 2025-11-11. Review status: criteria provided, single submitter. Criteria: Invitae Variant Classification Sherloc (09022015). Collection method: clinical testing. Allele origin: germline.
Comment: This sequence change replaces alanine, which is neutral and non-polar, with threonine, which is neutral and polar, at codon 161 of the GJB1 protein (p.Ala161Thr). This variant is not present in population databases (gnomAD no frequency). This variant has not been reported in the literature in individuals affected with GJB1-related conditions. Invitae Evidence Modeling of protein sequence and biophysical properties (such as structural, functional, and spatial information, amino acid conservation, physicochemical variation, residue mobility, and thermodynamic stability) indicates that this missense variant is not expected to disrupt GJB1 protein function with a negative predictive value of 95%. In summary, the available evidence is currently insufficient to determine the role of this variant in disease. Therefore, it has been classified as a Variant of Uncertain Significance.